The following is an entry in ClinVar:

ClinVar aggregate classification (germline): Benign. Review status: criteria provided, multiple submitters, no conflicts (2 of 4 stars). 2 submissions from 2 submitters: Benign (2). Last evaluated 2018-06-14.

Allele frequency attached by ClinVar (database versions not stated): 1000 Genomes Project 0.10923; 1000 Genomes Project 30x 0.11243; gnomAD 0.12152 and 0.12468; TOPMed 0.12388.
gnomAD v4.1: 18,495 of 152,130 alleles (12%); highest among the groups gnomAD compares: African/African-American, 19%; 1,286 homozygotes.

Submissions (2):

GeneDx
Classification: Benign. Last evaluated: 2018-06-14. Review status: criteria provided, single submitter. Criteria: GeneDx Variant Classification (06012015). Collection method: clinical testing. Allele origin: germline. Affected: yes.
Comment: This variant is considered likely benign or benign based on one or more of the following criteria: it is a conservative change, it occurs at a poorly conserved position in the protein, it is predicted to be benign by multiple in silico algorithms, and/or has population frequency not consistent with disease.

Breakthrough Genomics
Classification: Benign. Review status: criteria provided, single submitter. Criteria: ACMG Guidelines, 2015. Collection method: not provided. Allele origin: germline. Inheritance: Autosomal recessive inheritance. Affected: yes.

NM_001943.5(DSG2):c.1014+266T>C

Gene: DSG2 (desmoglein 2; plus strand). Cytogenetic location: 18q12.1.
Variant type: single nucleotide variant.
Coding change: c.1014+266T>C on transcript NM_001943.5 (MANE Select); 266 bases into the intron after coding-DNA position 1014, T replaced by C.
Molecular consequence: intron variant.
Genome position (GRCh38, 1-based): chr18:31,525,154, T>C. VCF-style: chr18-31525154-T-C. GRCh37 (hg19) VCF-style: chr18-29105117-T-C.
Identifiers: ClinVar variation 669793 (VCV000669793.2), dbSNP rs9947401, ClinGen allele CA14513519.
Genomic context (GRCh38, chr18:31,525,154, plus strand): 5'-CTAATCCTAGCCAGACAGCATGGTACCACCATCATTACTGCTTAGCTCATTTCCAGGCTT[T>C]CTTGCAGCTCATACCTGGCGATCACATTCTCACATCACAATCTCTTGCCTCTACTGAGTA-3'